The following is an entry in ClinVar:

ClinVar aggregate classification (germline): Pathogenic (1 of 4 stars; one submission).

Conditions:
Hurler syndrome. Also called: MUCOPOLYSACCHARIDOSIS TYPE IH; Gargoylism, Hurler Syndrome; Severe MPS I (Hurler Syndrome). Identifiers: Orphanet 93473, MedGen C0086795, MONDO:0011758, OMIM 607014.

Submission:

Center for Human Genetics and Genomic Medicine, Uniklinik Rwth Aachen
Classification: Pathogenic for Hurler syndrome. Last evaluated: 2026-04-30. Review status: criteria provided, single submitter. Criteria: ACMG Guidelines, 2015. Collection method: clinical testing. Allele origin: unknown. Inheritance: Autosomal recessive inheritance. Affected: yes. Observed: 1 variant allele, 1 homozygote.
Comment: To date, this variant has not been reported in the literature or in the ClinVar database. It has not yet been detected in the general population (gnomAD v4.1.0) (PM2_sup). In the IDUA gene, truncating variants are known to be pathogenic (PVS1) (GeneReviews, update 2018) (PP2).

NM_000203.5(IDUA):c.263_276del (p.Val88fs)

Genes: IDUA (alpha-L-iduronidase; plus strand), SLC26A1 (solute carrier family 26 member 1; minus strand). Cytogenetic location: 4p16.3.
Variant type: Deletion.
Coding change: c.263_276del on transcript NM_000203.5 (MANE Select); coding-DNA positions 263 to 276, 14 bases deleted (TCCGGACCCACTGG).
Protein change: p.Val88fs; shifts the reading frame from valine 88.
Molecular consequence: frameshift variant. On other transcripts: 3 prime UTR variant (2), non-coding transcript variant (1), intron variant (1).
Genome position (GRCh38, 1-based): chr4:987,913-987,926, TCCGGACCCACTGG deleted; deleting any 14 consecutive bases within chr4:987,911-987,926 gives the same sequence; the c. name uses the placement nearest the transcript's 3' end. VCF-style (leftmost placement, unchanged base first): chr4-987910-AGGTCCGGACCCACT-A. GRCh37 (hg19) VCF-style: chr4-981698-AGGTCCGGACCCACT-A.
Other names: c.*909_*922del (NM_022042.4, NM_213613.4); c.576+3204_576+3217del (NM_134425.4); short protein forms V88fs.
Identifiers: ClinVar variation 4851304 (VCV004851304.1).